The following is an entry in ClinVar:

ClinVar aggregate classification (germline): Uncertain significance (1 of 4 stars; one submission).

gnomAD v4.1: 1 of 1,612,506 alleles (0.000062%); highest among the groups gnomAD compares: Admixed American, 0.0017%; no homozygotes.

Submission:

Labcorp Genetics (formerly Invitae), Labcorp
Classification: Uncertain significance. Last evaluated: 2025-10-01. Review status: criteria provided, single submitter. Criteria: Invitae Variant Classification Sherloc (09022015). Collection method: clinical testing. Allele origin: germline.
Comment: This sequence change falls in intron 10 of the KIF22 gene. It does not directly change the encoded amino acid sequence of the KIF22 protein. This variant is present in population databases (no rsID available, gnomAD 0.003%). This variant has not been reported in the literature in individuals affected with KIF22-related conditions. Algorithms developed to predict the effect of sequence changes on RNA splicing suggest that this variant may disrupt the consensus splice site. In summary, the available evidence is currently insufficient to determine the role of this variant in disease. Therefore, it has been classified as a Variant of Uncertain Significance.

NM_007317.3(KIF22):c.1610-5T>G

Gene: KIF22 (kinesin family member 22; plus strand). Cytogenetic location: 16p11.2.
Variant type: single nucleotide variant.
Coding change: c.1610-5T>G on transcript NM_007317.3 (MANE Select); 5 bases into the intron before coding-DNA position 1610, T replaced by G.
Molecular consequence: intron variant.
Genome position (GRCh38, 1-based): chr16:29,803,993, T>G. VCF-style: chr16-29803993-T-G. GRCh37 (hg19) VCF-style: chr16-29815314-T-G.
Other names: c.1406-5T>G (NM_001256269.2, NM_001256270.1).
Identifiers: ClinVar variation 4740039 (VCV004740039.1).